The following is an entry in ClinVar:

ClinVar aggregate classification (germline): Uncertain significance (1 of 4 stars; one submission).

Conditions:
Familial hemophagocytic lymphohistiocytosis 4 (FHL4). Also called: STX11-Related Familial Hemophagocytic Lymphohistiocytosis (STX11-fHLH). Identifiers: Orphanet 540, MedGen C1863728, MONDO:0011336, OMIM 603552.

Submission:

Labcorp Genetics (formerly Invitae), Labcorp
Classification: Uncertain significance for Familial hemophagocytic lymphohistiocytosis 4. Last evaluated: 2024-02-05. Review status: criteria provided, single submitter. Criteria: Invitae Variant Classification Sherloc (09022015). Collection method: clinical testing. Allele origin: germline.
Comment: This sequence change replaces aspartic acid, which is acidic and polar, with valine, which is neutral and non-polar, at codon 196 of the STX11 protein (p.Asp196Val). This variant is not present in population databases (gnomAD no frequency). This variant has not been reported in the literature in individuals affected with STX11-related conditions. ClinVar contains an entry for this variant (Variation ID: 1714189). Advanced modeling of protein sequence and biophysical properties (such as structural, functional, and spatial information, amino acid conservation, physicochemical variation, residue mobility, and thermodynamic stability) has been performed at Invitae for this missense variant, however the output from this modeling did not meet the statistical confidence thresholds required to predict the impact of this variant on STX11 protein function. In summary, the available evidence is currently insufficient to determine the role of this variant in disease. Therefore, it has been classified as a Variant of Uncertain Significance.

NM_003764.4(STX11):c.587A>T (p.Asp196Val)

Gene: STX11 (syntaxin 11; plus strand). Cytogenetic location: 6q24.2.
Variant type: single nucleotide variant.
Coding change: c.587A>T on transcript NM_003764.4 (MANE Select); coding-DNA position 587, A replaced by T.
Protein change: p.Asp196Val; replaces aspartic acid 196 with valine.
Molecular consequence: missense variant.
Genome position (GRCh38, 1-based): chr6:144,187,214, A>T. VCF-style: chr6-144187214-A-T. GRCh37 (hg19) VCF-style: chr6-144508351-A-T.
Other names: short protein forms D196V.
Identifiers: ClinVar variation 1714189 (VCV001714189.4), dbSNP rs2533804026, ClinGen allele CA365949575.